The following is an entry in ClinVar:

ClinVar aggregate classification (germline): Uncertain significance (1 of 4 stars; one submission).

Allele frequency attached by ClinVar (database versions not stated): gnomAD exomes below 0.00001; gnomAD 0.00001; TOPMed 0.00001.

Submission:

Labcorp Genetics (formerly Invitae), Labcorp
Classification: Uncertain significance. Last evaluated: 2023-09-30. Review status: criteria provided, single submitter. Criteria: Invitae Variant Classification Sherloc (09022015). Collection method: clinical testing. Allele origin: germline.
Comment: This sequence change replaces serine, which is neutral and polar, with alanine, which is neutral and non-polar, at codon 1355 of the SETD5 protein (p.Ser1355Ala). This variant is not present in population databases (gnomAD no frequency). This variant has not been reported in the literature in individuals affected with SETD5-related conditions. Advanced modeling of protein sequence and biophysical properties (such as structural, functional, and spatial information, amino acid conservation, physicochemical variation, residue mobility, and thermodynamic stability) performed at Invitae indicates that this missense variant is not expected to disrupt SETD5 protein function. In summary, the available evidence is currently insufficient to determine the role of this variant in disease. Therefore, it has been classified as a Variant of Uncertain Significance.

NM_001080517.3(SETD5):c.4063T>G (p.Ser1355Ala)

Gene: SETD5 (SET domain containing 5; plus strand). Cytogenetic location: 3p25.3.
Variant type: single nucleotide variant.
Coding change: c.4063T>G on transcript NM_001080517.3 (MANE Select); coding-DNA position 4063, T replaced by G.
Protein change: p.Ser1355Ala; replaces serine 1355 with alanine.
Molecular consequence: missense variant.
Genome position (GRCh38, 1-based): chr3:9,475,825, T>G. VCF-style: chr3-9475825-T-G. GRCh37 (hg19) VCF-style: chr3-9517509-T-G.
Other names: c.3769T>G, p.Ser1257Ala (NM_001292043.2, NM_001349451.2); short protein forms S1355A, S1257A.
Identifiers: ClinVar variation 2964631 (VCV002964631.3), dbSNP rs1056289971, ClinGen allele CA69952010.